The following is an entry in ClinVar:

NM_000217.3(KCNA1):c.736A>G (p.Lys246Glu)

Gene: KCNA1 (potassium voltage-gated channel subfamily A member 1; plus strand). Cytogenetic location: 12p13.32.
Variant type: single nucleotide variant.
Coding change: c.736A>G on transcript NM_000217.3 (MANE Select); coding-DNA position 736, A replaced by G.
Protein change: p.Lys246Glu; replaces lysine 246 with glutamic acid.
Molecular consequence: missense variant.
Genome position (GRCh38, 1-based): chr12:4,912,114, A>G. VCF-style: chr12-4912114-A-G. GRCh37 (hg19) VCF-style: chr12-5021280-A-G.
Other names: c.736A>G (NM_000217.2); short protein forms K246E.
Identifiers: ClinVar variation 3647061 (VCV003647061.3).
Genomic context (GRCh38, chr12:4,912,114, plus strand): 5'-ACGCTGTGTATCATCTGGTTCTCCTTCGAGCTGGTGGTGCGCTTCTTCGCCTGCCCCAGC[A>G]AGACGGACTTCTTCAAAAACATCATGAACTTCATAGACATTGTGGCCATCATTCCTTATT-3'
Protein context (NP_000208.2, residues 236-256): LVVRFFACPS[Lys246Glu]TDFFKNIMNF

ClinVar aggregate classification (germline): Uncertain significance. Review status: criteria provided, multiple submitters, no conflicts (2 of 4 stars). 2 submissions from 2 submitters: Uncertain significance (2). Last evaluated 2025-09-19.

Conditions:
Episodic ataxia type 1 (EA1). Also called: ATAXIA, EPISODIC, WITH MYOKYMIA; MYOKYMIA WITH PERIODIC ATAXIA; PAROXYSMAL ATAXIA WITH NEUROMYOTONIA, HEREDITARY; Episodic ataxia/myokymia syndrome. Identifiers: Orphanet 37612, Orphanet 972, MedGen C1719788, MONDO:0008047, OMIM 160120.

Submissions (2):

Athena Diagnostics
Classification: Uncertain significance. Last evaluated: 2025-09-19. Review status: criteria provided, single submitter. Criteria: Athena Diagnostics Criteria. Collection method: clinical testing. Allele origin: unknown.
Comment: Available data are insufficient to determine the clinical significance of the variant at this time. This variant has not been reported in large, multi-ethnic general populations. Polyphen and MutationTaster predict this amino acid change may be damaging to the protein.

Labcorp Genetics (formerly Invitae), Labcorp
Classification: Uncertain significance for Episodic ataxia type 1. Last evaluated: 2024-05-02. Review status: criteria provided, single submitter. Criteria: Invitae Variant Classification Sherloc (09022015). Collection method: clinical testing. Allele origin: germline.
Comment: This sequence change replaces lysine, which is basic and polar, with glutamic acid, which is acidic and polar, at codon 246 of the KCNA1 protein (p.Lys246Glu). This variant is not present in population databases (gnomAD no frequency). This variant has not been reported in the literature in individuals affected with KCNA1-related conditions. Advanced modeling of protein sequence and biophysical properties (such as structural, functional, and spatial information, amino acid conservation, physicochemical variation, residue mobility, and thermodynamic stability) performed at Invitae indicates that this missense variant is expected to disrupt KCNA1 protein function with a positive predictive value of 80%. In summary, the available evidence is currently insufficient to determine the role of this variant in disease. Therefore, it has been classified as a Variant of Uncertain Significance.